The following is an entry in ClinVar:

ClinVar aggregate classification (germline): Uncertain significance (1 of 4 stars; one submission).

Conditions:
Autosomal dominant nonsyndromic hearing loss 11. Identifiers: Orphanet 90635, MedGen C1832475, MONDO:0011032, OMIM 601317.

Submission:

Kasturba Medical College, Manipal, Kasturba Medical College, Manipal, Manipal Academy of Higher Education, Manipal, India
Classification: Uncertain significance for Autosomal dominant nonsyndromic hearing loss 11. Review status: criteria provided, single submitter. Criteria: ACMG Guidelines, 2015. Collection method: research. Allele origin: paternal. Inheritance: Autosomal dominant inheritance. Affected: yes. Observed: 1 heterozygote.
Comment: The variant is absent in heterozygous and/or homozygous state in gnomAD population database (v4.1.0) and our in-house database of 3793 exomes. In silico analysis tools (CADD_phred, REVEL) predict the variant to be damaging to MYO7A protein function. Individuals with heterozygous MYO7A variants exhibit variable expressivity and differences in age of onset (Watanabe et al., 2024).

Literature cited by the submitters: PubMed 38594301.

NM_000260.4(MYO7A):c.5047C>G (p.Leu1683Val)

Gene: MYO7A (myosin VIIA; plus strand). Cytogenetic location: 11q13.5.
Variant type: single nucleotide variant.
Coding change: c.5047C>G on transcript NM_000260.4 (MANE Select); coding-DNA position 5047, C replaced by G.
Protein change: p.Leu1683Val; replaces leucine 1683 with valine.
Molecular consequence: missense variant.
Genome position (GRCh38, 1-based): chr11:77,202,303, C>G. VCF-style: chr11-77202303-C-G. GRCh37 (hg19) VCF-style: chr11-76913348-C-G.
Other names: c.4933C>G, p.Leu1645Val (NM_001127180.2); c.4900C>G, p.Leu1634Val (NM_001369365.1); short protein forms L1634V, L1645V, L1683V.
Identifiers: ClinVar variation 4278941 (VCV004278941.1).
Genomic context (GRCh38, chr11:77,202,303, plus strand): 5'-GATCCTGGTGGCCACAGGTAGAGAGCTGACCTGAGCCCCCTGTCTCTTGGTCCCTAGGCC[C>G]TGGTCACCATGACTCCCGATCAGAGGCAGGACGTTGTCCGGCTCTTGCAGCTGCGAACGG-3'
Protein context (NP_000251.3, residues 1673-1693): VTMPPREIVA[Leu1683Val]VTMTPDQRQD